The following is an entry in ClinVar:

ClinVar aggregate classification (germline): Pathogenic (1 of 4 stars; one submission).

Submission:

Labcorp Genetics (formerly Invitae), Labcorp
Classification: Pathogenic. Last evaluated: 2023-03-25. Review status: criteria provided, single submitter. Criteria: Invitae Variant Classification Sherloc (09022015). Collection method: clinical testing. Allele origin: germline.
Comment: This sequence change creates a premature translational stop signal (p.Val536Glyfs*3) in the LOXHD1 gene. It is expected to result in an absent or disrupted protein product. Loss-of-function variants in LOXHD1 are known to be pathogenic (PMID: 19732867, 21465660, 25792669). For these reasons, this variant has been classified as Pathogenic. This variant has not been reported in the literature in individuals affected with LOXHD1-related conditions. This variant is not present in population databases (gnomAD no frequency).

Literature cited by the submitters: PubMed 19732867; PubMed 21465660; PubMed 25792669.

NM_001384474.1(LOXHD1):c.1607_1610del (p.Val536fs)

Gene: LOXHD1 (lipoxygenase homology PLAT domains 1; minus strand). Cytogenetic location: 18q21.1.
Variant type: Deletion.
Coding change: c.1607_1610del on transcript NM_001384474.1 (MANE Select); coding-DNA positions 1607 to 1610, 4 bases deleted (TGAG; older notation c.1607_1610delTGAG).
Protein change: p.Val536fs; shifts the reading frame from valine 536.
Molecular consequence: frameshift variant.
Genome position (GRCh38, 1-based): chr18:46,591,977-46,591,980, CTCA deleted on the plus strand (TGAG on the coding strand, the reverse complement: LOXHD1 is on the minus strand); deleting any 4 consecutive bases within chr18:46,591,977-46,591,982 gives the same sequence; the c. name uses the placement nearest the transcript's 3' end. VCF-style (leftmost placement, unchanged base first): chr18-46591976-CCTCA-C. GRCh37 (hg19) VCF-style: chr18-44171939-CCTCA-C.
Other names: c.1607_1610del, p.Val536fs (NM_144612.7); short protein forms V536fs.
Identifiers: ClinVar variation 2716712 (VCV002716712.3), dbSNP rs2511924247, ClinGen allele CA2697555540.